The following is an entry in ClinVar:

ClinVar aggregate classification (germline): Uncertain significance (1 of 4 stars; one submission).

Allele frequency attached by ClinVar (database versions not stated): gnomAD exomes 0.00001; gnomAD 0.00003.
gnomAD v4.1: 15 of 1,597,364 alleles (0.00094%); highest among the groups gnomAD compares: Non-Finnish European, 0.0012%; no homozygotes.

Submission:

Labcorp Genetics (formerly Invitae), Labcorp
Classification: Uncertain significance. Last evaluated: 2022-06-23. Review status: criteria provided, single submitter. Criteria: Invitae Variant Classification Sherloc (09022015). Collection method: clinical testing. Allele origin: germline.
Comment: This sequence change replaces glycine, which is neutral and non-polar, with arginine, which is basic and polar, at codon 378 of the PNLIP protein (p.Gly378Arg). This variant is present in population databases (no rsID available, gnomAD 0.01%). This variant has not been reported in the literature in individuals affected with PNLIP-related conditions. Algorithms developed to predict the effect of missense changes on protein structure and function are either unavailable or do not agree on the potential impact of this missense change (SIFT: "Not Available"; PolyPhen-2: "Probably Damaging"; Align-GVGD: "Not Available"). In summary, the available evidence is currently insufficient to determine the role of this variant in disease. Therefore, it has been classified as a Variant of Uncertain Significance.

NM_000936.4(PNLIP):c.1132G>A (p.Gly378Arg)

Gene: PNLIP (pancreatic lipase; plus strand). Cytogenetic location: 10q25.3.
Variant type: single nucleotide variant.
Coding change: c.1132G>A on transcript NM_000936.4 (MANE Select); coding-DNA position 1132, G replaced by A.
Protein change: p.Gly378Arg; replaces glycine 378 with arginine.
Molecular consequence: missense variant.
Genome position (GRCh38, 1-based): chr10:116,560,487, G>A. VCF-style: chr10-116560487-G-A. GRCh37 (hg19) VCF-style: chr10-118319999-G-A.
Other names: short protein forms G378R.
Identifiers: ClinVar variation 2187178 (VCV002187178.1), dbSNP rs1433999204, ClinGen allele CA378498006.